The following is an entry in ClinVar:

NM_001199138.2(NLRC4):c.1769A>G (p.Asn590Ser)

Gene: NLRC4 (NLR family CARD domain containing 4; minus strand). Cytogenetic location: 2p22.3.
Variant type: single nucleotide variant.
Coding change: c.1769A>G on transcript NM_001199138.2 (MANE Select); coding-DNA position 1769, A replaced by G.
Protein change: p.Asn590Ser; replaces asparagine 590 with serine.
Molecular consequence: missense variant. On other transcripts: intron variant (1).
Genome position (GRCh38, 1-based): chr2:32,250,095, T>C on the plus strand (A>G on the coding strand, the complement: NLRC4 is on the minus strand). VCF-style: chr2-32250095-T-C. GRCh37 (hg19) VCF-style: chr2-32475164-T-C.
Other names: c.1769A>G, p.Asn590Ser (NM_001199139.2, NM_021209.5); c.262+2324A>G (NM_001302504.1); short protein forms N590S.
Identifiers: ClinVar variation 1062683 (VCV001062683.8), dbSNP rs113124376, ClinGen allele CA44751815.
Genomic context (GRCh38, chr2:32,250,095, plus strand): 5'-TCCAGGGCACTTGCACAATTGGGCAAATGTTCAAAGAAGTCAAATAAGTAATCGGGGATG[T>C]TCCCTGAGTTGATATATAAGCTTTTACCTTGAAAGAAAGCTTCAAATTCTTGGCTCAGGG-3'
Protein context (NP_001186067.1, residues 580-600): QGKSLYINSG[Asn590Ser]IPDYLFDFFE

ClinVar aggregate classification (germline): Uncertain significance. Review status: criteria provided, multiple submitters, no conflicts (2 of 4 stars). 2 submissions from 2 submitters: Uncertain significance (2). Last evaluated 2023-12-14.

Conditions:
Familial cold autoinflammatory syndrome 4 (FCAS4). Identifiers: Orphanet 47045, Orphanet 576349, MedGen C4015276, MONDO:0014498, OMIM 616115.
Periodic fever-infantile enterocolitis-autoinflammatory syndrome. Also called: Autoinflammation with infantile enterocolitis. Identifiers: Orphanet 436166, MedGen C4015067, MONDO:0014472, OMIM 616050.

Allele frequency attached by ClinVar (database versions not stated): gnomAD 0.00002 and 0.00001; ESP Exome Variant Server 0.00008; gnomAD exomes 0.00001; TOPMed 0.00002.
gnomAD v4.1: 49 of 1,614,218 alleles (0.003%); highest among the groups gnomAD compares: African/African-American, 0.027%; 1 homozygote.

Submissions (2):

Labcorp Genetics (formerly Invitae), Labcorp
Classification: Uncertain significance for Periodic fever-infantile enterocolitis-autoinflammatory syndrome; Familial cold autoinflammatory syndrome 4. Last evaluated: 2023-12-14. Review status: criteria provided, single submitter. Criteria: Invitae Variant Classification Sherloc (09022015). Collection method: clinical testing. Allele origin: germline.
Comment: This sequence change replaces asparagine, which is neutral and polar, with serine, which is neutral and polar, at codon 590 of the NLRC4 protein (p.Asn590Ser). This variant is not present in population databases (gnomAD no frequency). This variant has not been reported in the literature in individuals affected with NLRC4-related conditions. ClinVar contains an entry for this variant (Variation ID: 1062683). Advanced modeling of protein sequence and biophysical properties (such as structural, functional, and spatial information, amino acid conservation, physicochemical variation, residue mobility, and thermodynamic stability) performed at Invitae indicates that this missense variant is not expected to disrupt NLRC4 protein function with a negative predictive value of 80%. In summary, the available evidence is currently insufficient to determine the role of this variant in disease. Therefore, it has been classified as a Variant of Uncertain Significance.

Blueprint Genetics
Classification: Uncertain significance. Last evaluated: 2020-10-15. Review status: criteria provided, single submitter. Criteria: ACMG Guidelines, 2015. Collection method: clinical testing. Allele origin: germline.